The following is an entry in ClinVar:

ClinVar aggregate classification (germline): Benign/Likely benign. Review status: criteria provided, multiple submitters, no conflicts (2 of 4 stars). 10 submissions from 10 submitters: Benign (2); Likely benign (5). 3 of the submissions do not count toward it. Last evaluated 2026-06-11.

Conditions:
Hereditary sensory and autonomic neuropathy type 7. Also called: Neuropathy, hereditary sensory and autonomic, type VII; HSAN VII. Identifiers: Orphanet 391397, MedGen C3809882, MONDO:0014244, OMIM 615548.
Familial episodic pain syndrome with predominantly lower limb involvement. Also called: Episodic pain syndrome, familial, 3. Identifiers: Orphanet 391384, Orphanet 391392, MedGen C3809899, MONDO:0014247, OMIM 615552.
Inborn genetic diseases. Identifiers: MedGen C0950123, MeSH D030342.
SCN11A-related disorder. Also called: SCN11A-related condition.

Allele frequency attached by ClinVar (database versions not stated): 1000 Genomes Project 0.00040; 1000 Genomes Project 30x 0.00047; gnomAD 0.00056 and 0.00059; ESP Exome Variant Server 0.00062; TOPMed 0.00065.
gnomAD v4.1: 1,344 of 1,613,978 alleles (0.083%); highest among the groups gnomAD compares: Non-Finnish European, 0.1%; no homozygotes.

Submissions (10):

Women's Health and Genetics/Laboratory Corporation of America, LabCorp
Classification: Likely benign. Last evaluated: 2026-06-11. Review status: criteria provided, single submitter. Criteria: LabCorp Variant Classification Summary - May 2015. Collection method: clinical testing. Allele origin: germline.
Comment: Variant summary: SCN11A c.95C>T (p.Ala32Val) results in a non-conservative amino acid change in the encoded protein sequence. Algorithms developed to predict the effect of missense changes on protein structure and function are either unavailable or do not agree on the potential impact of this missense change. The variant allele was found at a frequency of 0.00065 in 251478 control chromosomes. The observed variant frequency exceeds the estimated maximal expected allele frequency for disease-causing variants in SCN11A. c.95C>T has been observed in individuals affected with small-fiber neuropathy, without strong evidence for causality (e.g. Eijkenboom_2019). This report does not provide unequivocal conclusions about association of the variant with disease. To our knowledge, no experimental evidence demonstrating an impact on protein function has been reported. The following publication have been ascertained in the context of this evaluation (PMID: 30554136). ClinVar contains an entry for this variant (Variation ID: 474759). Based on the evidence outlined above, the variant was classified as likely benign.

Labcorp Genetics (formerly Invitae), Labcorp
Classification: Likely benign for Familial episodic pain syndrome with predominantly lower limb involvement; Hereditary sensory and autonomic neuropathy type 7. Last evaluated: 2026-01-14. Review status: criteria provided, single submitter. Criteria: Invitae Variant Classification Sherloc (09022015). Collection method: clinical testing. Allele origin: germline.

Blueprint Genetics
Classification: Likely benign. Last evaluated: 2024-11-11. Review status: criteria provided, single submitter. Criteria: ACMG Guidelines, 2015. Collection method: clinical testing. Allele origin: germline.

CeGaT Center for Human Genetics Tuebingen
Classification: Likely benign. Last evaluated: 2024-11-01. Review status: criteria provided, single submitter. Criteria: CeGaT Center For Human Genetics Tuebingen Variant Classification Criteria Version 2. Collection method: clinical testing. Allele origin: germline. Affected: yes. Observed: 4 variant alleles.
Comment: SCN11A: BS1

Mayo Clinic Laboratories, Mayo Clinic
Classification: Benign. Last evaluated: 2023-08-08. Review status: criteria provided, single submitter. Criteria: ACMG Guidelines, 2015. Collection method: clinical testing. Allele origin: germline. Observed: 6 variant alleles.
Comment: BS1, BS2

GeneDx
Classification: Benign. Last evaluated: 2021-05-10. Review status: criteria provided, single submitter. Criteria: GeneDx Variant Classification Process June 2021. Collection method: clinical testing. Allele origin: germline. Affected: yes.

Ambry Genetics
Classification: Likely benign for Inborn genetic diseases. Last evaluated: 2019-08-30. Review status: criteria provided, single submitter. Criteria: Ambry Variant Classification Scheme 2023. Collection method: clinical testing. Allele origin: germline.

PreventionGenetics, part of Exact Sciences
Classification: Likely benign for SCN11A-related condition. Last evaluated: 2021-03-25. Review status: no assertion criteria provided. Collection method: clinical testing. Allele origin: germline. Not counted in ClinVar's aggregate classification.
Comment: This variant is classified as likely benign based on ACMG/AMP sequence variant interpretation guidelines (Richards et al. 2015 PMID: 25741868, with internal and published modifications).

Clinical Genetics, Academic Medical Center
Classification: Uncertain significance. Review status: no assertion criteria provided. Collection method: clinical testing. Allele origin: germline. Affected: yes. Study: VKGL Data-share Consensus. Not counted in ClinVar's aggregate classification.

Joint Genome Diagnostic Labs from Nijmegen and Maastricht, Radboudumc and MUMC+
Classification: Uncertain significance. Review status: no assertion criteria provided. Collection method: clinical testing. Allele origin: germline. Affected: yes. Study: VKGL Data-share Consensus. Not counted in ClinVar's aggregate classification.

Literature cited by the submitters: PubMed 30554136 (cited by Women's Health and Genetics/Laboratory Corporation of America, LabCorp and Mayo Clinic Laboratories, Mayo Clinic); PubMed 36448457 (cited by Mayo Clinic Laboratories, Mayo Clinic); PubMed 37186898 (cited by Mayo Clinic Laboratories, Mayo Clinic).

NM_001349253.2(SCN11A):c.95C>T (p.Ala32Val)

Gene: SCN11A (sodium voltage-gated channel alpha subunit 11; minus strand). Cytogenetic location: 3p22.2.
Variant type: single nucleotide variant.
Coding change: c.95C>T on transcript NM_001349253.2 (MANE Select); coding-DNA position 95, C replaced by T.
Protein change: p.Ala32Val; replaces alanine 32 with valine.
Molecular consequence: missense variant.
Genome position (GRCh38, 1-based): chr3:38,950,268, G>A on the plus strand (C>T on the coding strand, the complement: SCN11A is on the minus strand). VCF-style: chr3-38950268-G-A. GRCh37 (hg19) VCF-style: chr3-38991759-G-A.
Other names: p.Ala32Val; c.95C>T, p.Ala32Val (NM_014139.3); short protein forms A32V.
Identifiers: ClinVar variation 474759 (VCV000474759.50), dbSNP rs150835546, ClinGen allele CA2322777.